The following is an entry in ClinVar:

NC_000014.8:g.(?_105204693)_(105207600_?)del

Gene: ADSS1 (adenylosuccinate synthase 1; plus strand). Cytogenetic location: 14q32.33.
Variant type: Deletion.
Identifiers: ClinVar variation 1681849 (VCV001681849.7).

ClinVar aggregate classification (germline): Pathogenic (1 of 4 stars; one submission).

Submission:

Labcorp Genetics (formerly Invitae), Labcorp
Classification: Pathogenic. Last evaluated: 2024-01-07. Review status: criteria provided, single submitter. Criteria: Invitae Variant Classification Sherloc (09022015). Collection method: clinical testing. Allele origin: germline.
Comment: This variant is a gross deletion of the genomic region encompassing exon(s) 3-8 of the ADSSL1 gene. This variant would be expected to be in-frame, preserving the integrity of the reading frame. This variant has not been reported in the literature in individuals affected with ADSSL1-related conditions. This variant disrupts a region of the ADSSL1 protein in which other variant(s) (p.Asp304Asn) have been determined to be pathogenic (PMID: 26506222, 32331917). This suggests that this is a clinically significant region of the protein, and that variants that disrupt it are likely to be disease-causing. For these reasons, this variant has been classified as Pathogenic.

Literature cited by the submitters: PubMed 26506222; PubMed 32331917.